The following is an entry in ClinVar:

NM_181486.4(TBX5):c.1162G>A (p.Glu388Lys)

Gene: TBX5 (T-box transcription factor 5; minus strand). Cytogenetic location: 12q24.21.
Variant type: single nucleotide variant.
Coding change: c.1162G>A on transcript NM_181486.4 (MANE Select); coding-DNA position 1162, G replaced by A.
Protein change: p.Glu388Lys; replaces glutamic acid 388 with lysine.
Molecular consequence: missense variant.
Genome position (GRCh38, 1-based): chr12:114,355,927, C>T on the plus strand (G>A on the coding strand, the complement: TBX5 is on the minus strand). VCF-style: chr12-114355927-C-T. GRCh37 (hg19) VCF-style: chr12-114793732-C-T.
Other names: c.1162G>A, p.Glu388Lys (NM_000192.3); c.1012G>A, p.Glu338Lys (NM_080717.4); short protein forms E388K, E338K.
Identifiers: ClinVar variation 411098 (VCV000411098.34), dbSNP rs139371720, ClinGen allele CA6809389.

ClinVar aggregate classification (germline): Uncertain significance. Review status: criteria provided, multiple submitters, no conflicts (2 of 4 stars). 3 submissions from 3 submitters: Uncertain significance (3). Last evaluated 2025-12-16.

Conditions:
Cardiovascular phenotype. Identifiers: MedGen CN230736.
Aortic valve disease 2 (AOVD2). Identifiers: MedGen C3542024, MONDO:0013902, OMIM 614823.

Allele frequency attached by ClinVar (database versions not stated): ExAC 0.00001; gnomAD exomes 0.00002 and 0.00004; TOPMed 0.00006; gnomAD 0.00007; ESP Exome Variant Server 0.00008.
gnomAD v4.1: 73 of 1,613,674 alleles (0.0045%); highest among the groups gnomAD compares: East Asian, 0.0067%; no homozygotes.

Submissions (3):

Labcorp Genetics (formerly Invitae), Labcorp
Classification: Uncertain significance for Aortic valve disease 2. Last evaluated: 2025-12-16. Review status: criteria provided, single submitter. Criteria: Invitae Variant Classification Sherloc (09022015). Collection method: clinical testing. Allele origin: germline.
Comment: This sequence change replaces glutamic acid, which is acidic and polar, with lysine, which is basic and polar, at codon 388 of the TBX5 protein (p.Glu388Lys). This variant is present in population databases (rs139371720, gnomAD 0.005%). This missense change has been observed in individual(s) with clinical features of dilated cardiomyopathy (PMID: 31983221). This variant is also known as chr12:g.114793732C>T. ClinVar contains an entry for this variant (Variation ID: 411098). Invitae Evidence Modeling of protein sequence and biophysical properties (such as structural, functional, and spatial information, amino acid conservation, physicochemical variation, residue mobility, and thermodynamic stability) indicates that this missense variant is not expected to disrupt TBX5 protein function with a negative predictive value of 80%. In summary, the available evidence is currently insufficient to determine the role of this variant in disease. Therefore, it has been classified as a Variant of Uncertain Significance.

Ambry Genetics
Classification: Uncertain significance for Cardiovascular phenotype. Last evaluated: 2025-08-28. Review status: criteria provided, single submitter. Criteria: Ambry Variant Classification Scheme 2023. Collection method: clinical testing. Allele origin: germline.
Comment: The p.E388K variant (also known as c.1162G>A), located in coding exon 8 of the TBX5 gene, results from a G to A substitution at nucleotide position 1162. The glutamic acid at codon 388 is replaced by lysine, an amino acid with similar properties. This alteration has been reported in a dilated cardiomyopathy (DCM) cohort with limited clinical details (Mazzarotto F et al. Circulation, 2020 02;141:387-398). This amino acid position is well conserved in available vertebrate species. In addition, this alteration is predicted to be tolerated by in silico analysis. Since supporting evidence is limited at this time, the clinical significance of this alteration remains unclear.

CeGaT Center for Human Genetics Tuebingen
Classification: Uncertain significance. Last evaluated: 2022-07-01. Review status: criteria provided, single submitter. Criteria: CeGaT Center For Human Genetics Tuebingen Variant Classification Criteria Version 2. Collection method: clinical testing. Allele origin: germline. Affected: yes. Observed: 1 variant allele.

Literature cited by the submitters: PubMed 31983221 (cited by Labcorp Genetics (formerly Invitae), Labcorp and Ambry Genetics).